The following is an entry in ClinVar:

ClinVar aggregate classification (germline): Pathogenic (1 of 4 stars; one submission).

Conditions:
Deficiency of ferroxidase (ACEP). Also called: Deficiency of ceruloplasmin; Aceruloplasminemia; NEURODEGENERATION WITH BRAIN IRON ACCUMULATION 10; Ceruloplasmin deficiency; Familial apoceruloplasmin deficiency; Hereditary ceruloplasmin deficiency. Identifiers: Orphanet 48818, MedGen C0878682, MONDO:0011426, OMIM 604290, HP:0025498.

Submission:

Labcorp Genetics (formerly Invitae), Labcorp
Classification: Pathogenic for Deficiency of ferroxidase. Last evaluated: 2025-05-04. Review status: criteria provided, single submitter. Criteria: Invitae Variant Classification Sherloc (09022015). Collection method: clinical testing. Allele origin: germline.
Comment: This sequence change creates a premature translational stop signal (p.Glu333*) in the CP gene. It is expected to result in an absent or disrupted protein product. Loss-of-function variants in CP are known to be pathogenic (PMID: 16629161). This variant is not present in population databases (gnomAD no frequency). This variant has not been reported in the literature in individuals affected with CP-related conditions. For these reasons, this variant has been classified as Pathogenic.

Literature cited by the submitters: PubMed 16629161.

NM_000096.4(CP):c.997G>T (p.Glu333Ter)

Gene: CP (ceruloplasmin; minus strand). Cytogenetic location: 3q25.1.
Variant type: single nucleotide variant.
Coding change: c.997G>T on transcript NM_000096.4 (MANE Select); coding-DNA position 997, G replaced by T.
Protein change: p.Glu333Ter; replaces glutamic acid 333 with a stop codon.
Molecular consequence: nonsense. On other transcripts: non-coding transcript variant (1).
Genome position (GRCh38, 1-based): chr3:149,207,402, C>A on the plus strand (G>T on the coding strand, the complement: CP is on the minus strand). VCF-style: chr3-149207402-C-A. GRCh37 (hg19) VCF-style: chr3-148925189-C-A.
Other names: short protein forms E333*.
Identifiers: ClinVar variation 4718939 (VCV004718939.1).